The following is an entry in ClinVar:

ClinVar aggregate classification (germline): Benign. Review status: criteria provided, multiple submitters, no conflicts (2 of 4 stars). 3 submissions from 2 submitters: Benign (3). Last evaluated 2018-01-12.

Conditions:
Disorders of Intracellular Cobalamin Metabolism. Identifiers: MedGen CN043592.
Methylmalonic aciduria and homocystinuria type cblD (MAHCD). Also called: Methylmalonic aciduria with homocystinuria cblD type; METHYLMALONIC ACIDEMIA, cblH TYPE. Identifiers: Orphanet 622, Orphanet 79283, MedGen C1848552, MONDO:0010185, OMIM 277410.

Allele frequency attached by ClinVar (database versions not stated): gnomAD exomes 0.00469; gnomAD 0.00970 and 0.00973; 1000 Genomes Project 30x 0.01234; 1000 Genomes Project 0.01298; TOPMed 0.01482.

Submissions (3):

Illumina Laboratory Services, Illumina
Classification: Benign for Methylmalonic aciduria and homocystinuria type cblD. Last evaluated: 2018-01-12. Review status: criteria provided, single submitter. Criteria: ICSL Variant Classification Criteria 13 December 2019. Collection method: clinical testing. Allele origin: germline.
Comment: This variant was observed in the ICSL laboratory as part of a predisposition screen in an ostensibly healthy population. It had not been previously curated by ICSL or reported in the Human Gene Mutation Database (HGMD: prior to June 1st, 2018), and was therefore a candidate for classification through an automated scoring system. Utilizing variant allele frequency, disease prevalence and penetrance estimates, and inheritance mode, an automated score was calculated to assess if this variant is too frequent to cause the disease. Based on the score and internal cut-off values, a variant classified as benign is not then subjected to further curation. The score for this variant resulted in a classification of benign for this disease.

Illumina Laboratory Services, Illumina
Classification: Benign for Disorders of Intracellular Cobalamin Metabolism. Last evaluated: 2018-01-12. Review status: criteria provided, single submitter. Criteria: ICSL Variant Classification Criteria 13 December 2019. Collection method: clinical testing. Allele origin: germline.
Comment: the same text as in the submission from Illumina Laboratory Services, Illumina above.

Breakthrough Genomics
Classification: Benign. Review status: criteria provided, single submitter. Criteria: ACMG Guidelines, 2015. Collection method: not provided. Allele origin: germline. Inheritance: Autosomal recessive inheritance. Affected: yes.

NM_015702.3(MMADHC):c.*164A>G

Gene: MMADHC (metabolism of cobalamin associated D; minus strand). Cytogenetic location: 2q23.2.
Variant type: single nucleotide variant.
Coding change: c.*164A>G on transcript NM_015702.3 (MANE Select); 164 bases downstream of the stop codon, A replaced by G.
Molecular consequence: 3 prime UTR variant.
Genome position (GRCh38, 1-based): chr2:149,569,810, T>C on the plus strand (A>G on the coding strand, the complement: MMADHC is on the minus strand). VCF-style: chr2-149569810-T-C. GRCh37 (hg19) VCF-style: chr2-150426324-T-C.
Identifiers: ClinVar variation 331372 (VCV000331372.6), dbSNP rs147662711, ClinGen allele CA10610873.